The following is an entry in ClinVar:

NM_004958.4(MTOR):c.889G>A (p.Asp297Asn)

Gene: MTOR (mechanistic target of rapamycin kinase; minus strand). Cytogenetic location: 1p36.22.
Variant type: single nucleotide variant.
Coding change: c.889G>A on transcript NM_004958.4 (MANE Select); coding-DNA position 889, G replaced by A.
Protein change: p.Asp297Asn; replaces aspartic acid 297 with asparagine.
Molecular consequence: missense variant.
Genome position (GRCh38, 1-based): chr1:11,248,046, C>T on the plus strand (G>A on the coding strand, the complement: MTOR is on the minus strand). VCF-style: chr1-11248046-C-T. GRCh37 (hg19) VCF-style: chr1-11308103-C-T.
Other names: short protein forms D297N.
Identifiers: ClinVar variation 801437 (VCV000801437.44), dbSNP rs141936187, ClinGen allele CA590850.

ClinVar aggregate classification (germline): Conflicting classifications of pathogenicity. Review status: criteria provided, conflicting classifications (1 of 4 stars). 6 submissions from 6 submitters: Uncertain significance (2); Benign (1); Likely benign (3). Last evaluated 2025-03-09.

Conditions:
Papillary renal cell carcinoma type 1 (RCCP1). Also called: Renal adenocarcinoma; Renal cell carcinoma 1; Renal cell carcinoma, somatic; RENAL CELL CARCINOMA, PAPILLARY, 1, SOMATIC. Identifiers: Orphanet 47044, MedGen C1336839, OMIM 605074, HP:0011797.

Allele frequency attached by ClinVar (database versions not stated): gnomAD 0.00005 and 0.00006; TOPMed 0.00006; ESP Exome Variant Server 0.00008; gnomAD exomes 0.00008; ExAC 0.00009.
gnomAD v4.1: 77 of 1,613,420 alleles (0.0048%); highest among the groups gnomAD compares: Middle Eastern, 0.016%; no homozygotes.

Submissions (6):

Labcorp Genetics (formerly Invitae), Labcorp
Classification: Benign. Last evaluated: 2025-03-09. Review status: criteria provided, single submitter. Criteria: Invitae Variant Classification Sherloc (09022015). Collection method: clinical testing. Allele origin: germline.

Blueprint Genetics
Classification: Likely benign. Last evaluated: 2024-03-15. Review status: criteria provided, single submitter. Criteria: ACMG Guidelines, 2015. Collection method: clinical testing. Allele origin: germline.

CeGaT Center for Human Genetics Tuebingen
Classification: Uncertain significance. Last evaluated: 2023-02-01. Review status: criteria provided, single submitter. Criteria: CeGaT Center For Human Genetics Tuebingen Variant Classification Criteria Version 2. Collection method: clinical testing. Allele origin: germline. Affected: yes. Observed: 2 variant alleles.
Comment: MTOR: PP2

GeneDx
Classification: Likely benign. Last evaluated: 2020-09-04. Review status: criteria provided, single submitter. Criteria: GeneDx Variant Classification Process June 2021. Collection method: clinical testing. Allele origin: germline. Affected: yes.
Comment: This variant is associated with the following publications: (PMID: 30098700)

Mendelics
Classification: Likely benign for Papillary renal cell carcinoma type 1. Last evaluated: 2019-05-28. Review status: criteria provided, single submitter. Criteria: Mendelics Assertion Criteria 2017. Collection method: clinical testing. Allele origin: unknown.

Genetic Services Laboratory, University of Chicago
Classification: Uncertain significance. Last evaluated: 2017-08-07. Review status: criteria provided, single submitter. Criteria: ACMG Guidelines, 2015. Collection method: clinical testing. Allele origin: germline. Affected: no.